The following is an entry in ClinVar:

ClinVar aggregate classification (germline): Uncertain significance. Review status: criteria provided, multiple submitters, no conflicts (2 of 4 stars). 5 submissions from 5 submitters: Uncertain significance (5). Last evaluated 2024-07-11.

Conditions:
Cardiomyopathy (CMYO). Also called: Cardiomyopathies. Identifiers: Orphanet 167848, MedGen C0878544, MONDO:0004994, HP:0001638. Inheritance: Various modes of inheritance.
Cardiovascular phenotype. Identifiers: MedGen CN230736.
Arrhythmogenic right ventricular dysplasia 10. Also called: Arrhythmogenic Right Ventricular Dysplasia/Cardiomyopathy10; ARRHYTHMOGENIC RIGHT VENTRICULAR DYSPLASIA, FAMILIAL, 10; Arrhythmogenic right ventricular dysplasia/cardiomyopathy, type 10. Identifiers: MedGen C1857777, MONDO:0012434, OMIM 610193.
Dilated cardiomyopathy 1BB (CMD1BB). Also called: CARDIOMYOPATHY, DILATED, 1BB, SUSCEPTIBILITY TO. Identifiers: Orphanet 154, MedGen C2752072, MONDO:0013030, OMIM 612877.
Arrhythmogenic right ventricular cardiomyopathy (ARVD). Also called: Cardiomyopathy, ARVC; Arrhythmogenic right ventricular dysplasia; Arrhythmogenic cardiomyopathy; Arrhythmogenic Right Ventricular Cardiomyopathy (ARVC). Identifiers: Orphanet 247, MedGen C0349788, MeSH D019571, MONDO:0016587. Disease mechanism: loss of function. Inheritance: Various modes of inheritance.

Allele frequency attached by ClinVar (database versions not stated): gnomAD exomes below 0.00001; TOPMed below 0.00001; gnomAD 0.00001.
gnomAD v4.1: 6 of 1,614,114 alleles (0.00037%); highest among the groups gnomAD compares: Non-Finnish European, 0.00042%; no homozygotes.

Submissions (5):

Labcorp Genetics (formerly Invitae), Labcorp
Classification: Uncertain significance for Arrhythmogenic right ventricular dysplasia 10. Last evaluated: 2024-07-11. Review status: criteria provided, single submitter. Criteria: Invitae Variant Classification Sherloc (09022015). Collection method: clinical testing. Allele origin: germline.
Comment: This sequence change replaces leucine, which is neutral and non-polar, with proline, which is neutral and non-polar, at codon 807 of the DSG2 protein (p.Leu807Pro). This variant is not present in population databases (gnomAD no frequency). This variant has not been reported in the literature in individuals affected with DSG2-related conditions. ClinVar contains an entry for this variant (Variation ID: 858322). Advanced modeling of protein sequence and biophysical properties (such as structural, functional, and spatial information, amino acid conservation, physicochemical variation, residue mobility, and thermodynamic stability) performed at Invitae indicates that this missense variant is not expected to disrupt DSG2 protein function with a negative predictive value of 95%. In summary, the available evidence is currently insufficient to determine the role of this variant in disease. Therefore, it has been classified as a Variant of Uncertain Significance.

All of Us Research Program, National Institutes of Health
Classification: Uncertain significance for Arrhythmogenic right ventricular cardiomyopathy. Last evaluated: 2023-11-02. Review status: criteria provided, single submitter. Criteria: ACMG Guidelines, 2015. Collection method: clinical testing. Allele origin: germline. Inheritance: Autosomal dominant inheritance. Observed: 2 variant alleles, 2 heterozygotes.
Comment: This missense variant replaces leucine with proline at codon 807 of the DSG2 protein. Computational prediction suggests that this variant may not impact protein structure and function (internally defined REVEL score threshold <= 0.5, PMID: 27666373). To our knowledge, functional studies have not been reported for this variant. This variant has not been reported in individuals affected with DSG2-related disorders in the literature. This variant has not been identified in the general population by the Genome Aggregation Database (gnomAD). The available evidence is insufficient to determine the role of this variant in disease conclusively. Therefore, this variant is classified as a Variant of Uncertain Significance.

This study involves interpretation of variants in research participants for the purpose of population health screening. Participant phenotype was not available at the time of variant classification. Additional details can be found in publication PMID: 35346344, PMCID: PMC8962531

Color Diagnostics, LLC DBA Color Health
Classification: Uncertain significance for Cardiomyopathy. Last evaluated: 2023-10-18. Review status: criteria provided, single submitter. Criteria: ACMG Guidelines, 2015. Collection method: clinical testing. Allele origin: germline.
Comment: This missense variant replaces leucine with proline at codon 807 of the DSG2 protein. Computational prediction suggests that this variant may not impact protein structure and function. To our knowledge, functional studies have not been reported for this variant. This variant has not been reported in individuals affected with DSG2-related disorders in the literature. This variant has not been identified in the general population by the Genome Aggregation Database (gnomAD). The available evidence is insufficient to determine the role of this variant in disease conclusively. Therefore, this variant is classified as a Variant of Uncertain Significance.

Ambry Genetics
Classification: Uncertain significance for Cardiovascular phenotype. Last evaluated: 2023-08-30. Review status: criteria provided, single submitter. Criteria: Ambry Variant Classification Scheme 2023. Collection method: clinical testing. Allele origin: germline.
Comment: The p.L807P variant (also known as c.2420T>C), located in coding exon 15 of the DSG2 gene, results from a T to C substitution at nucleotide position 2420. The leucine at codon 807 is replaced by proline, an amino acid with similar properties. This amino acid position is not well conserved in available vertebrate species. In addition, this alteration is predicted to be tolerated by in silico analysis. Since supporting evidence is limited at this time, the clinical significance of this alteration remains unclear.

Fulgent Genetics
Classification: Uncertain significance for Arrhythmogenic right ventricular dysplasia 10; Dilated cardiomyopathy 1BB. Last evaluated: 2021-10-19. Review status: criteria provided, single submitter. Criteria: ACMG Guidelines, 2015. Collection method: clinical testing. Allele origin: unknown.

NM_001943.5(DSG2):c.2420T>C (p.Leu807Pro)

Genes: DSG2 (desmoglein 2; plus strand), DSG2-AS1 (DSG2 antisense RNA 1; minus strand). Cytogenetic location: 18q12.1.
Variant type: single nucleotide variant.
Coding change: c.2420T>C on transcript NM_001943.5 (MANE Select); coding-DNA position 2420, T replaced by C.
Protein change: p.Leu807Pro; replaces leucine 807 with proline.
Molecular consequence: missense variant. On other transcripts: non-coding transcript variant (1).
Genome position (GRCh38, 1-based): chr18:31,545,806, T>C. VCF-style: chr18-31545806-T-C. GRCh37 (hg19) VCF-style: chr18-29125769-T-C.
Other names: short protein forms L807P.
Identifiers: ClinVar variation 858322 (VCV000858322.12), dbSNP rs1384172051, ClinGen allele CA402144555.